The following is an entry in ClinVar:

NM_000091.5(COL4A3):c.2961C>T (p.Pro987=)

Genes: COL4A3 (collagen type IV alpha 3 chain; plus strand), MFF-DT (MFF divergent transcript; minus strand). Cytogenetic location: 2q36.3.
Variant type: single nucleotide variant.
Coding change: c.2961C>T on transcript NM_000091.5 (MANE Select); coding-DNA position 2961, C replaced by T.
Protein change: p.Pro987=; no amino-acid change (proline 987 retained).
Molecular consequence: synonymous variant.
Genome position (GRCh38, 1-based): chr2:227,289,229, C>T. VCF-style: chr2-227289229-C-T. GRCh37 (hg19) VCF-style: chr2-228153945-C-T.
Identifiers: ClinVar variation 1129879 (VCV001129879.13), dbSNP rs375523118, ClinGen allele CA2147062.

ClinVar aggregate classification (germline): Likely benign. Review status: criteria provided, multiple submitters, no conflicts (2 of 4 stars). 4 submissions from 4 submitters: Likely benign (3). 1 of the submissions does not count toward it. Last evaluated 2025-12-26.

Conditions:
COL4A3-related disorder. Also called: COL4A3-Related Disorders; COL4A3-related condition.

Allele frequency attached by ClinVar (database versions not stated): ExAC 0.00007; gnomAD exomes 0.00007; ESP Exome Variant Server 0.00008.
gnomAD v4.1: 107 of 1,613,400 alleles (0.0066%); highest among the groups gnomAD compares: Middle Eastern, 0.016%; no homozygotes.

Submissions (4):

Labcorp Genetics (formerly Invitae), Labcorp
Classification: Likely benign. Last evaluated: 2025-12-26. Review status: criteria provided, single submitter. Criteria: Invitae Variant Classification Sherloc (09022015). Collection method: clinical testing. Allele origin: germline.

Blueprint Genetics
Classification: Likely benign. Last evaluated: 2022-10-13. Review status: criteria provided, single submitter. Criteria: ACMG Guidelines, 2015. Collection method: clinical testing. Allele origin: germline.

GeneDx
Classification: Likely benign. Last evaluated: 2021-10-12. Review status: criteria provided, single submitter. Criteria: GeneDx Variant Classification Process June 2021. Collection method: clinical testing. Allele origin: germline. Affected: yes.

PreventionGenetics, part of Exact Sciences
Classification: Likely benign for COL4A3-related condition. Last evaluated: 2022-06-09. Review status: no assertion criteria provided. Collection method: clinical testing. Allele origin: germline. Not counted in ClinVar's aggregate classification.
Comment: This variant is classified as likely benign based on ACMG/AMP sequence variant interpretation guidelines (Richards et al. 2015 PMID: 25741868, with internal and published modifications).